The following is an entry in ClinVar:

NM_001356.5(DDX3X):c.104-8T>A

Gene: DDX3X (DEAD-box helicase 3 X-linked; plus strand). Cytogenetic location: Xp11.4.
Variant type: single nucleotide variant.
Coding change: c.104-8T>A on transcript NM_001356.5 (MANE Select); 8 bases into the intron before coding-DNA position 104, T replaced by A.
Molecular consequence: intron variant. On other transcripts: 5 prime UTR variant (1).
Genome position (GRCh38, 1-based): chrX:41,339,028, T>A. VCF-style: chrX-41339028-T-A. GRCh37 (hg19) VCF-style: chrX-41198281-T-A.
Other names: NC_000023.10:g.41198281T>A; c.-463T>A (NM_001363819.1); c.104-8T>A (NM_001193416.3); c.103+1563T>A (NM_001193417.3).
Identifiers: ClinVar variation 4489143 (VCV004489143.2).

ClinVar aggregate classification (germline): Uncertain significance (1 of 4 stars; one submission).

gnomAD v4.1: 22 of 917,718 alleles (0.0024%); highest among the groups gnomAD compares: East Asian, 0.0039%; no homozygotes.

Submissions (5):

GeneDx
Classification: Uncertain significance. Last evaluated: 2026-03-27. Review status: criteria provided, single submitter. Criteria: GeneDx Variant Classification Process June 2021. Collection method: clinical testing. Allele origin: germline.
Comment: Has not been previously published as pathogenic or benign to our knowledge; In silico analysis is inconclusive as to whether the variant alters gene splicing. In the absence of RNA/functional studies, the actual effect of this sequence change is unknown.

Dr. Peter K. Rogan Lab, Western University
No classification provided (evidence only). Condition: Uterine corpus endometrial carcinoma. Review status: no classification provided. Collection method: in vitro. Allele origin: not applicable. Functional consequence: skipped exon, retained intron. Not counted in ClinVar's aggregate classification.

Dr. Peter K. Rogan Lab, Western University
No classification provided (evidence only). Condition: Uterine corpus endometrial carcinoma. Review status: no classification provided. Collection method: in vitro. Allele origin: not applicable. Functional consequence: skipped exon, retained intron. Not counted in ClinVar's aggregate classification.

Dr. Peter K. Rogan Lab, Western University
No classification provided (evidence only). Condition: Uterine corpus endometrial carcinoma. Review status: no classification provided. Collection method: in vitro. Allele origin: not applicable. Functional consequence: skipped exon. Not counted in ClinVar's aggregate classification.

Dr. Peter K. Rogan Lab, Western University
No classification provided (evidence only). Condition: Uterine corpus endometrial carcinoma. Review status: no classification provided. Collection method: in vitro. Allele origin: not applicable. Functional consequence: skipped exon, retained intron. Not counted in ClinVar's aggregate classification.